The following is an entry in ClinVar:

ClinVar aggregate classification (germline): Uncertain significance (1 of 4 stars; one submission).

Conditions:
Kabuki syndrome. Also called: NIIKAWA-KUROKI SYNDROME; Kabuki make-up syndrome. Identifiers: Orphanet 2322, MedGen C0796004, MONDO:0016512.

Submission:

Labcorp Genetics (formerly Invitae), Labcorp
Classification: Uncertain significance for Kabuki syndrome. Last evaluated: 2022-04-19. Review status: criteria provided, single submitter. Criteria: Invitae Variant Classification Sherloc (09022015). Collection method: clinical testing. Allele origin: germline.
Comment: This variant has not been reported in the literature in individuals affected with KMT2D-related conditions. This sequence change replaces glutamine, which is neutral and polar, with arginine, which is basic and polar, at codon 405 of the KMT2D protein (p.Gln405Arg). This variant is not present in population databases (gnomAD no frequency). Advanced modeling of protein sequence and biophysical properties (such as structural, functional, and spatial information, amino acid conservation, physicochemical variation, residue mobility, and thermodynamic stability) performed at Invitae indicates that this missense variant is not expected to disrupt KMT2D protein function. In summary, the available evidence is currently insufficient to determine the role of this variant in disease. Therefore, it has been classified as a Variant of Uncertain Significance.

NM_003482.4(KMT2D):c.1214A>G (p.Gln405Arg)

Gene: KMT2D (lysine methyltransferase 2D; minus strand). Cytogenetic location: 12q13.12.
Variant type: single nucleotide variant.
Coding change: c.1214A>G on transcript NM_003482.4 (MANE Select); coding-DNA position 1214, A replaced by G.
Protein change: p.Gln405Arg; replaces glutamine 405 with arginine.
Molecular consequence: missense variant.
Genome position (GRCh38, 1-based): chr12:49,052,608, T>C on the plus strand (A>G on the coding strand, the complement: KMT2D is on the minus strand). VCF-style: chr12-49052608-T-C. GRCh37 (hg19) VCF-style: chr12-49446391-T-C.
Other names: short protein forms Q405R.
Identifiers: ClinVar variation 2116013 (VCV002116013.4), dbSNP rs2498461532, ClinGen allele CA384676380.